The following is an entry in ClinVar:

ClinVar aggregate classification (germline): Uncertain significance (1 of 4 stars; one submission).

Allele frequency attached by ClinVar (database versions not stated): TOPMed below 0.00001.

Submission:

Labcorp Genetics (formerly Invitae), Labcorp
Classification: Uncertain significance. Last evaluated: 2021-05-12. Review status: criteria provided, single submitter. Criteria: Invitae Variant Classification Sherloc (09022015). Collection method: clinical testing. Allele origin: germline.
Comment: This sequence change replaces threonine with isoleucine at codon 455 of the IL23R protein (p.Thr455Ile). The threonine residue is moderately conserved and there is a moderate physicochemical difference between threonine and isoleucine. This variant is not present in population databases (ExAC no frequency). This variant has not been reported in the literature in individuals with IL23R-related conditions. Algorithms developed to predict the effect of missense changes on protein structure and function (SIFT, PolyPhen-2, Align-GVGD) all suggest that this variant is likely to be tolerated, but these predictions have not been confirmed by published functional studies and their clinical significance is uncertain. In summary, the available evidence is currently insufficient to determine the role of this variant in disease. Therefore, it has been classified as a Variant of Uncertain Significance.

NM_144701.3(IL23R):c.1364C>T (p.Thr455Ile)

Gene: IL23R (interleukin 23 receptor; plus strand). Cytogenetic location: 1p31.3.
Variant type: single nucleotide variant.
Coding change: c.1364C>T on transcript NM_144701.3 (MANE Select); coding-DNA position 1364, C replaced by T.
Protein change: p.Thr455Ile; replaces threonine 455 with isoleucine.
Molecular consequence: missense variant.
Genome position (GRCh38, 1-based): chr1:67,258,602, C>T. VCF-style: chr1-67258602-C-T. GRCh37 (hg19) VCF-style: chr1-67724285-C-T.
Other names: short protein forms T455I.
Identifiers: ClinVar variation 1475303 (VCV001475303.8), dbSNP rs1653078545, ClinGen allele CA340727963.